The following is an entry in ClinVar:

ClinVar aggregate classification (germline): Benign. Review status: criteria provided, multiple submitters, no conflicts (2 of 4 stars). 3 submissions from 3 submitters: Benign (2). 1 of the submissions does not count toward it. Last evaluated 2018-06-18.

Conditions:
ALX4-related disorder. Also called: ALX4-related condition.

Allele frequency attached by ClinVar (database versions not stated): ESP Exome Variant Server 0.00015; gnomAD 0.00022 and 0.00024; TOPMed 0.00022; ExAC 0.00023; gnomAD exomes 0.00034.
gnomAD v4.1: 285 of 1,612,956 alleles (0.018%); highest among the groups gnomAD compares: Middle Eastern, 0.033%; no homozygotes.

Submissions (3):

Labcorp Genetics (formerly Invitae), Labcorp
Classification: Benign. Last evaluated: 2018-06-18. Review status: criteria provided, single submitter. Criteria: Invitae Variant Classification Sherloc (09022015). Collection method: clinical testing. Allele origin: germline.

Breakthrough Genomics
Classification: Benign. Review status: criteria provided, single submitter. Criteria: ACMG Guidelines, 2015. Collection method: not provided. Allele origin: germline. Inheritance: Autosomal recessive inheritance. Affected: yes.

PreventionGenetics, part of Exact Sciences
Classification: Likely benign for ALX4-related condition. Last evaluated: 2021-02-11. Review status: no assertion criteria provided. Collection method: clinical testing. Allele origin: germline. Not counted in ClinVar's aggregate classification.
Comment: This variant is classified as likely benign based on ACMG/AMP sequence variant interpretation guidelines (Richards et al. 2015 PMID: 25741868, with internal and published modifications).

NM_021926.4(ALX4):c.1085C>T (p.Thr362Met)

Gene: ALX4 (ALX homeobox 4; minus strand). Cytogenetic location: 11p11.2.
Variant type: single nucleotide variant.
Coding change: c.1085C>T on transcript NM_021926.4 (MANE Select); coding-DNA position 1085, C replaced by T.
Protein change: p.Thr362Met; replaces threonine 362 with methionine.
Molecular consequence: missense variant.
Genome position (GRCh38, 1-based): chr11:44,265,005, G>A on the plus strand (C>T on the coding strand, the complement: ALX4 is on the minus strand). VCF-style: chr11-44265005-G-A. GRCh37 (hg19) VCF-style: chr11-44286555-G-A.
Other names: short protein forms T362M.
Identifiers: ClinVar variation 741611 (VCV000741611.6), dbSNP rs61737293, ClinGen allele CA5955533.